The following is an entry in ClinVar:

NM_206933.4(USH2A):c.7591G>A (p.Asp2531Asn)

Gene: USH2A (usherin; minus strand). Cytogenetic location: 1q41.
Variant type: single nucleotide variant.
Coding change: c.7591G>A on transcript NM_206933.4 (MANE Select); coding-DNA position 7591, G replaced by A.
Protein change: p.Asp2531Asn; replaces aspartic acid 2531 with asparagine.
Molecular consequence: missense variant.
Genome position (GRCh38, 1-based): chr1:215,900,078, C>T on the plus strand (G>A on the coding strand, the complement: USH2A is on the minus strand). VCF-style: chr1-215900078-C-T. GRCh37 (hg19) VCF-style: chr1-216073420-C-T.
Other names: c.7591G>A (NM_206933.2); short protein forms D2531N.
Identifiers: ClinVar variation 929928 (VCV000929928.5), dbSNP rs372989431, ClinGen allele CA1394797.
Genomic context (GRCh38, chr1:215,900,078, plus strand): 5'-ACATTTTAAGCTCCCTATGTAGAAGACATTTGGCTGTGTATTGTTCAGACCACTTACTGT[C>T]CTCTGCGGTCATGAATGGAATCCAAGAACTATGTGCACTGCCAAATCCATTGGAGGCAAC-3'
Protein context (NP_996816.3, residues 2521-2541): SSWIPFMTAE[Asp2531Asn]KPGPVVPPIL

ClinVar aggregate classification (germline): Uncertain significance. Review status: criteria provided, single submitter (1 of 4 stars). 2 submissions from 2 submitters: Uncertain significance (1). 1 of the submissions does not count toward it. Last evaluated 2019-04-12.

Conditions:
Usher syndrome type 2A. Also called: RETINAL DISEASE IN USHER SYNDROME TYPE IIA, MODIFIER OF; USHER SYNDROME, TYPE IIA. Identifiers: Orphanet 231178, Orphanet 886, MedGen C1848634, MONDO:0010169, OMIM 276901.

Allele frequency attached by ClinVar (database versions not stated): gnomAD exomes below 0.00001; TOPMed below 0.00001; ExAC 0.00001; gnomAD 0.00001; ESP Exome Variant Server 0.00008.
gnomAD v4.1: 2 of 1,613,540 alleles (0.00012%); highest among the groups gnomAD compares: Non-Finnish European, 0.00017%; no homozygotes.

Submissions (2):

Laboratory for Molecular Medicine, Mass General Brigham Personalized Medicine
Classification: Uncertain significance. Last evaluated: 2019-04-12. Review status: criteria provided, single submitter. Criteria: LMM Criteria. Collection method: clinical testing. Allele origin: germline. Observed: 1 variant allele.
Comment: The p.Asp2531Asn variant in USH2A has not been previously reported in individuals with hearing loss or Usher syndrome and was absent from large population studies. Computational prediction tools and conservation analysis suggest that this variant may impact the protein, though this information is not predictive enough to determine pathogenicity. In summary, the clinical significance of this variant is uncertain. ACMG/AMP Criteria applied: PM2, PP3.

Natera, Inc.
Classification: Uncertain significance for Usher syndrome type 2A. Last evaluated: 2025-02-10. Review status: no assertion criteria provided. Collection method: clinical testing. Allele origin: germline. Not counted in ClinVar's aggregate classification.